The following is an entry in ClinVar:

NM_170707.4(LMNA):c.44A>G (p.Gln15Arg)

Genes: LMNA (lamin A/C; plus strand), LOC129931597 (ATAC-STARR-seq lymphoblastoid silent region 1421; plus strand). Cytogenetic location: 1q22.
Variant type: single nucleotide variant.
Coding change: c.44A>G on transcript NM_170707.4 (MANE Select); coding-DNA position 44, A replaced by G.
Protein change: p.Gln15Arg; replaces glutamine 15 with arginine.
Molecular consequence: missense variant. On other transcripts: 5 prime UTR variant (8), intron variant (2).
Genome position (GRCh38, 1-based): chr1:156,114,962, A>G. VCF-style: chr1-156114962-A-G. GRCh37 (hg19) VCF-style: chr1-156084753-A-G.
Other names: c.44A>G, p.Gln15Arg (NM_001282625.2, NM_001282626.2, NM_001406983.1 and 6 more transcripts); c.-380A>G (NM_001406986.1); c.-358A>G (NM_001406990.1, NM_001406995.1, NM_001407002.1); c.-621A>G (NM_001406994.1, NM_001407000.1); c.-801A>G (NM_001406999.1); c.-464A>G (NM_001407001.1); c.-203+8139A>G (NM_001406993.1, NM_001407003.1); short protein forms Q15R.
Identifiers: ClinVar variation 3633622 (VCV003633622.2).

ClinVar aggregate classification (germline): Uncertain significance (1 of 4 stars; one submission).

Conditions:
Charcot-Marie-Tooth disease type 2. Also called: Charcot-Marie-Tooth type 2. Identifiers: Orphanet 64746, MedGen C0270914, MONDO:0018993.

Submission:

Labcorp Genetics (formerly Invitae), Labcorp
Classification: Uncertain significance for Charcot-Marie-Tooth disease type 2. Last evaluated: 2024-01-31. Review status: criteria provided, single submitter. Criteria: Invitae Variant Classification Sherloc (09022015). Collection method: clinical testing. Allele origin: germline.
Comment: This sequence change replaces glutamine, which is neutral and polar, with arginine, which is basic and polar, at codon 15 of the LMNA protein (p.Gln15Arg). This variant is not present in population databases (gnomAD no frequency). This variant has not been reported in the literature in individuals affected with LMNA-related conditions. Advanced modeling of protein sequence and biophysical properties (such as structural, functional, and spatial information, amino acid conservation, physicochemical variation, residue mobility, and thermodynamic stability) has been performed at Invitae for this missense variant, however the output from this modeling did not meet the statistical confidence thresholds required to predict the impact of this variant on LMNA protein function. In summary, the available evidence is currently insufficient to determine the role of this variant in disease. Therefore, it has been classified as a Variant of Uncertain Significance.